The following is an entry in ClinVar:

ClinVar aggregate classification (germline): Pathogenic (1 of 4 stars; one submission).

Conditions:
Primary ciliary dyskinesia. Also called: Ciliary dyskinesia. Identifiers: Orphanet 244, MedGen C0008780, MONDO:0016575, HP:0012265.

Submission:

Labcorp Genetics (formerly Invitae), Labcorp
Classification: Pathogenic for Primary ciliary dyskinesia. Last evaluated: 2022-10-13. Review status: criteria provided, single submitter. Criteria: Invitae Variant Classification Sherloc (09022015). Collection method: clinical testing. Allele origin: germline.
Comment: This variant has not been reported in the literature in individuals affected with RPGR (ORF15)-related conditions. For these reasons, this variant has been classified as Pathogenic. This variant disrupts a region of the RPGR (ORF15) protein in which other variant(s) (p.Leu1130Lysfs*13) have been determined to be pathogenic (PMID: 22264887; Invitae). This suggests that this is a clinically significant region of the protein, and that variants that disrupt it are likely to be disease-causing. This variant is not present in population databases (gnomAD no frequency). This sequence change creates a premature translational stop signal (p.Glu832Argfs*257) in the RPGR (ORF15) gene. While this is not anticipated to result in nonsense mediated decay, it is expected to disrupt the last 321 amino acid(s) of the RPGR (ORF15) protein.

Literature cited by the submitters: PubMed 22264887.

NM_001034853.2(RPGR):c.2494del (p.Glu832fs)

Gene: RPGR (retinitis pigmentosa GTPase regulator; minus strand). Cytogenetic location: Xp11.4.
Variant type: Deletion.
Coding change: c.2494del on transcript NM_001034853.2 (MANE Select); coding-DNA position 2494, one base deleted (G; older notation c.2494delG).
Protein change: p.Glu832fs; shifts the reading frame from glutamic acid 832.
Molecular consequence: frameshift variant. On other transcripts: intron variant (8).
Genome position (GRCh38, 1-based): chrX:38,286,505, C deleted on the plus strand (G on the coding strand, the reverse complement: RPGR is on the minus strand); the first of 2 consecutive C bases (chrX:38,286,505-38,286,506); deleting either gives the same sequence. VCF-style (leftmost placement, unchanged base first): chrX-38286504-TC-T. GRCh37 (hg19) VCF-style: chrX-38145757-TC-T.
Other names: c.1569+4454del (NM_001367249.1, NM_001367250.1); c.1902+589del (NM_001367245.1); c.1386+4454del (NM_001367251.1); c.1719+589del (NM_001367246.1); c.1572+4454del (NM_001367247.1); c.1905+589del (NM_000328.3); c.1602+4454del (NM_001367248.1); short protein forms E832fs.
Identifiers: ClinVar variation 2134758 (VCV002134758.4), dbSNP rs2519790473, ClinGen allele CA2580100912.
Genomic context (GRCh38, chrX:38,286,504, plus strand): 5'-TCCTCTTCCCCCTCCCCTTCCTCCTCTTCCCCCTCCCCTTCCTCCTCTTCCCCCTCACCC[TC>T]CTCCTCTTCCTCTTCCCTCTCTCCTTTCCCCTCCTCTACTTCCCCTCCCTCTACTTCCCC-3'